The following is an entry in ClinVar:

ClinVar aggregate classification (germline): Uncertain significance (1 of 4 stars; one submission).

Conditions:
FOXJ1-related disorder. Also called: FOXJ1-related condition.

Submission:

PreventionGenetics, part of Exact Sciences
Classification: Uncertain significance for FOXJ1-related condition. Last evaluated: 2024-12-02. Review status: criteria provided, single submitter. Criteria: ACMG Guidelines, 2015. Collection method: clinical testing. Allele origin: germline.
Comment: The FOXJ1 c.938C>T variant is predicted to result in the amino acid substitution p.Ala313Val. To our knowledge, this variant has not been reported in the literature. This variant is reported in 0.0016% of alleles in individuals of European (Non-Finnish) descent in gnomAD. At this time, the clinical significance of this variant is uncertain due to the absence of conclusive functional and genetic evidence.

NM_001454.4(FOXJ1):c.938C>T (p.Ala313Val)

Gene: FOXJ1 (forkhead box J1; minus strand). Cytogenetic location: 17q25.1.
Variant type: single nucleotide variant.
Coding change: c.938C>T on transcript NM_001454.4 (MANE Select); coding-DNA position 938, C replaced by T.
Protein change: p.Ala313Val; replaces alanine 313 with valine.
Molecular consequence: missense variant.
Genome position (GRCh38, 1-based): chr17:76,137,681, G>A on the plus strand (C>T on the coding strand, the complement: FOXJ1 is on the minus strand). VCF-style: chr17-76137681-G-A. GRCh37 (hg19) VCF-style: chr17-74133762-G-A.
Other names: short protein forms A313V.
Identifiers: ClinVar variation 4977917 (VCV004977917.1).